The following is an entry in ClinVar:

NM_004360.5(CDH1):c.163+14G>T

Gene: CDH1 (cadherin 1; plus strand). Cytogenetic location: 16q22.1.
Variant type: single nucleotide variant.
Coding change: c.163+14G>T on transcript NM_004360.5 (MANE Select); 14 bases into the intron after coding-DNA position 163, G replaced by T.
Molecular consequence: intron variant.
Genome position (GRCh38, 1-based): chr16:68,738,425, G>T. VCF-style: chr16-68738425-G-T. GRCh37 (hg19) VCF-style: chr16-68772328-G-T.
Other names: c.-1657+14G>T (NM_001317186.2); c.163+14G>T (NM_001317184.2, LRG_301t1); c.-1453+14G>T (NM_001317185.2).
Identifiers: ClinVar variation 382653 (VCV000382653.11), dbSNP rs1057521411, ClinGen allele CA16607046.
Genomic context (GRCh38, chr16:68,738,425, plus strand): 5'-CACGGTGCCCCGGCGCCACCTGGAGAGAGGCCGCGTCCTGGGCAGAGGTGAGGGCGCGCT[G>T]CCGGTGTCCCTGGGCGGAGTAGGGAGGGGTTGGAAAGGGGCCGAGAAATTGCACTCCCAC-3'

ClinVar aggregate classification (germline): Likely benign. Review status: criteria provided, multiple submitters, no conflicts (2 of 4 stars). 3 submissions from 3 submitters: Likely benign (3). Last evaluated 2025-12-24.

Conditions:
Hereditary cancer-predisposing syndrome. Also called: Hereditary neoplastic syndrome; Tumor predisposition; Neoplastic Syndromes, Hereditary; Hereditary Cancer Syndrome. Identifiers: Orphanet 140162, MedGen C0027672, MeSH D009386, MONDO:0015356.
Hereditary diffuse gastric adenocarcinoma (HDGC). Also called: DIFFUSE GASTRIC AND LOBULAR BREAST CANCER SYNDROME. Identifiers: Orphanet 26106, MedGen C1708349, MONDO:0007648, OMIM 137215.

Allele frequency attached by ClinVar (database versions not stated): gnomAD exomes below 0.00001; TOPMed below 0.00001.
gnomAD v4.1: 1 of 1,521,864 alleles (0.000066%); highest among the groups gnomAD compares: Non-Finnish European, 0.000089%; no homozygotes.

Submissions (3):

Labcorp Genetics (formerly Invitae), Labcorp
Classification: Likely benign for Hereditary diffuse gastric adenocarcinoma. Last evaluated: 2025-12-24. Review status: criteria provided, single submitter. Criteria: Invitae Variant Classification Sherloc (09022015). Collection method: clinical testing. Allele origin: germline.

Color Diagnostics, LLC DBA Color Health
Classification: Likely benign for Hereditary cancer-predisposing syndrome. Last evaluated: 2019-04-18. Review status: criteria provided, single submitter. Criteria: ACMG Guidelines, 2015. Collection method: clinical testing. Allele origin: germline.

GeneDx
Classification: Likely benign. Last evaluated: 2015-12-31. Review status: criteria provided, single submitter. Criteria: GeneDx Variant Classification (06012015). Collection method: clinical testing. Allele origin: germline. Affected: yes.
Comment: This variant is considered likely benign or benign based on one or more of the following criteria: it is a conservative change, it occurs at a poorly conserved position in the protein, it is predicted to be benign by multiple in silico algorithms, and/or has population frequency not consistent with disease.